The following is an entry in ClinVar:

NM_001101426.4(CRPPA):c.1183A>G (p.Arg395Gly)

Genes: CRPPA-AS1 (CRPPA antisense RNA 1; plus strand), CRPPA (CDP-L-ribitol pyrophosphorylase A; minus strand). Cytogenetic location: 7p21.2.
Variant type: single nucleotide variant.
Coding change: c.1183A>G on transcript NM_001101426.4 (MANE Select); coding-DNA position 1183, A replaced by G.
Protein change: p.Arg395Gly; replaces arginine 395 with glycine.
Molecular consequence: missense variant. On other transcripts: non-coding transcript variant (1).
Genome position (GRCh38, 1-based): chr7:16,216,134, T>C on the plus strand (A>G on the coding strand, the complement: CRPPA is on the minus strand). VCF-style: chr7-16216134-T-C. GRCh37 (hg19) VCF-style: chr7-16255759-T-C.
Other names: c.1033A>G, p.Arg345Gly (NM_001101417.4); c.1078A>G, p.Arg360Gly (NM_001368197.1); short protein forms R345G, R360G, R395G.
Identifiers: ClinVar variation 1680746 (VCV001680746.6), dbSNP rs957843384, ClinGen allele CA154740374.

ClinVar aggregate classification (germline): Uncertain significance (1 of 4 stars; one submission).

Conditions:
Muscular dystrophy-dystroglycanopathy (congenital with brain and eye anomalies), type A, 7. Also called: WALKER-WARBURG SYNDROME OR MUSCLE-EYE-BRAIN DISEASE, ISPD-RELATED; Congenital muscular dystrophy-dystroglycanopathy with brain and eye anomalies, type A7. Identifiers: Orphanet 899, MedGen C3553330, MONDO:0013835, OMIM 614643.
Autosomal recessive limb-girdle muscular dystrophy type 2U. Also called: Muscular dystrophy-dystroglycanopathy (limb-girdle), type c, 7; MUSCULAR DYSTROPHY, LIMB-GIRDLE, TYPE 2U. Identifiers: Orphanet 352479, MedGen C5190987, MONDO:0014474, OMIM 616052.

gnomAD v4.1: 2 of 1,590,068 alleles (0.00013%); no homozygotes.

Submission:

Labcorp Genetics (formerly Invitae), Labcorp
Classification: Uncertain significance for Muscular dystrophy-dystroglycanopathy (congenital with brain and eye anomalies), type A, 7; Autosomal recessive limb-girdle muscular dystrophy type 2U. Last evaluated: 2022-07-12. Review status: criteria provided, single submitter. Criteria: Invitae Variant Classification Sherloc (09022015). Collection method: clinical testing. Allele origin: germline.
Comment: In summary, the available evidence is currently insufficient to determine the role of this variant in disease. Therefore, it has been classified as a Variant of Uncertain Significance. This sequence change replaces arginine, which is basic and polar, with glycine, which is neutral and non-polar, at codon 395 of the ISPD protein (p.Arg395Gly). This variant is not present in population databases (gnomAD no frequency). This variant has not been reported in the literature in individuals affected with ISPD-related conditions. ClinVar contains an entry for this variant (Variation ID: 1680746). Algorithms developed to predict the effect of missense changes on protein structure and function (SIFT, PolyPhen-2, Align-GVGD) all suggest that this variant is likely to be tolerated.